The following is an entry in ClinVar:

ClinVar aggregate classification (germline): Benign/Likely benign. Review status: criteria provided, multiple submitters, no conflicts (2 of 4 stars). 7 submissions from 7 submitters: Benign (3); Likely benign (2). 2 of the submissions do not count toward it. Last evaluated 2025-10-28.

Conditions:
Inborn genetic diseases. Identifiers: MedGen C0950123, MeSH D030342.
Holoprosencephaly 9 (HPE9). Also called: HOLOPROSENCEPHALY WITH MICROPHTHALMIA AND FIRST BRANCHIAL ARCH ANOMALIES; PITUITARY ANOMALIES WITH HOLOPROSENCEPHALY-LIKE FEATURES. Identifiers: Orphanet 2162, MedGen C1835819, MONDO:0012563, OMIM 610829.
GLI2-related disorder. Also called: GLI2-related condition; GLI2-related disorders.
Postaxial polydactyly-anterior pituitary anomalies-facial dysmorphism syndrome. Also called: Culler-Jones syndrome. Identifiers: Orphanet 420584, MedGen C4014479, MONDO:0014369, OMIM 615849.

Allele frequency attached by ClinVar (database versions not stated): gnomAD 0.00001 and 0.00017; TOPMed 0.00007; gnomAD exomes 0.00030 and 0.00084; 1000 Genomes Project 30x 0.00109; 1000 Genomes Project 0.00120; ExAC 0.00452.
gnomAD v4.1: 444 of 1,459,410 alleles (0.03%); highest among the groups gnomAD compares: South Asian, 0.49%; 7 homozygotes.

Submissions (7):

Labcorp Genetics (formerly Invitae), Labcorp
Classification: Benign for Postaxial polydactyly-anterior pituitary anomalies-facial dysmorphism syndrome; Holoprosencephaly 9. Last evaluated: 2025-10-28. Review status: criteria provided, single submitter. Criteria: Invitae Variant Classification Sherloc (09022015). Collection method: clinical testing. Allele origin: germline.

Blueprint Genetics
Classification: Likely benign. Last evaluated: 2024-02-09. Review status: criteria provided, single submitter. Criteria: ACMG Guidelines, 2015. Collection method: clinical testing. Allele origin: germline.

Ambry Genetics
Classification: Likely benign for Inborn genetic diseases. Last evaluated: 2021-10-12. Review status: criteria provided, single submitter. Criteria: Ambry Variant Classification Scheme 2023. Collection method: clinical testing. Allele origin: germline.

Illumina Laboratory Services, Illumina
Classification: Benign for Holoprosencephaly 9. Last evaluated: 2018-01-12. Review status: criteria provided, single submitter. Criteria: ICSL Variant Classification Criteria 13 December 2019. Collection method: clinical testing. Allele origin: germline.
Comment: This variant was observed in the ICSL laboratory as part of a predisposition screen in an ostensibly healthy population. It had not been previously curated by ICSL or reported in the Human Gene Mutation Database (HGMD: prior to June 1st, 2018), and was therefore a candidate for classification through an automated scoring system. Utilizing variant allele frequency, disease prevalence and penetrance estimates, and inheritance mode, an automated score was calculated to assess if this variant is too frequent to cause the disease. Based on the score and internal cut-off values, a variant classified as benign is not then subjected to further curation. The score for this variant resulted in a classification of benign for this disease.

Eurofins Ntd Llc (ga)
Classification: Benign. Last evaluated: 2016-01-06. Review status: criteria provided, single submitter. Criteria: EGL Classification Definitions 2015. Collection method: clinical testing. Allele origin: germline. Observed: 1 variant allele, 1 heterozygote.

PreventionGenetics, part of Exact Sciences
Classification: Likely benign for GLI2-related condition. Last evaluated: 2019-06-28. Review status: no assertion criteria provided. Collection method: clinical testing. Allele origin: germline. Not counted in ClinVar's aggregate classification.
Comment: This variant is classified as likely benign based on ACMG/AMP sequence variant interpretation guidelines (Richards et al. 2015 PMID: 25741868, with internal and published modifications).

Department of Pathology and Laboratory Medicine, Sinai Health System
Classification: Likely benign. Review status: no assertion criteria provided. Collection method: clinical testing. Allele origin: unknown. Affected: yes. Study: The Canadian Open Genetics Repository (COGR). Not counted in ClinVar's aggregate classification.
Comment: The GLI2 p.T903S variant was not identified in the literature but was identified in dbSNP (ID: rs572826436) and ClinVar (classified as benign by EGL Genetic Diagnostics and Illumina). The variant was identified in control databases in 66 of 78370 chromosomes (1 homozygous) at a frequency of 0.0008422, and was observed at the highest frequency in the South Asian population in 65 of 15514 chromosomes (1 homozygous) (freq: 0.004190) (Genome Aggregation Database March 6, 2019, v2.1.1). The p.Thr903 residue is conserved in mammals and computational analyses (MUT Assesor, PolyPhen-2, SIFT, MutationTaster, Revel, FATHMM, MetaLR, DANN) suggest that the variant may impact the protein; however this information is not predictive enough to assume pathogenicity. The variant occurs outside of the splicing consensus sequence and in silico or computational prediction software programs (Splice AI exome) do not predict a deleterious effect on splicing. In summary, based on the above information the clinical significance of this variant cannot be determined with certainty at this time although we would lean towards a more benign role for this variant. This variant is classified as likely benign.

NM_001374353.1(GLI2):c.2657C>G (p.Thr886Ser)

Gene: GLI2 (GLI family zinc finger 2; plus strand). Cytogenetic location: 2q14.2.
Variant type: single nucleotide variant.
Coding change: c.2657C>G on transcript NM_001374353.1 (MANE Select); coding-DNA position 2657, C replaced by G.
Protein change: p.Thr886Ser; replaces threonine 886 with serine.
Molecular consequence: missense variant.
Genome position (GRCh38, 1-based): chr2:120,988,622, C>G. VCF-style: chr2-120988622-C-G. GRCh37 (hg19) VCF-style: chr2-121746198-C-G.
Other names: c.2708C>G, p.Thr903Ser (NM_001371271.1, NM_005270.5); c.2282C>G, p.Thr761Ser (NM_001374354.1); short protein forms T903S, T761S, T886S.
Identifiers: ClinVar variation 285394 (VCV000285394.18), dbSNP rs572826436, ClinGen allele CA1852268.